The following is an entry in ClinVar:

ClinVar aggregate classification (germline): Uncertain significance (1 of 4 stars; one submission).

Conditions:
Inborn genetic diseases. Identifiers: MedGen C0950123, MeSH D030342.

gnomAD v4.1: 1 of 1,613,864 alleles (0.000062%); highest among the groups gnomAD compares: Middle Eastern, 0.017%; no homozygotes.

Submission:

Ambry Genetics
Classification: Uncertain significance for Inborn genetic diseases. Last evaluated: 2025-06-21. Review status: criteria provided, single submitter. Criteria: Ambry Variant Classification Scheme 2023. Collection method: clinical testing. Allele origin: germline.
Comment: The p.Q1186R variant (also known as c.3557A>G), located in coding exon 1 of the SAMD9L gene, results from an A to G substitution at nucleotide position 3557. The glutamine at codon 1186 is replaced by arginine, an amino acid with highly similar properties. This amino acid position is conserved. In addition, this alteration is predicted to be tolerated by in silico analysis. Based on the available evidence, the clinical significance of this variant remains unclear.

NM_152703.5(SAMD9L):c.3557A>G (p.Gln1186Arg)

Gene: SAMD9L (sterile alpha motif domain containing 9 like; minus strand). Cytogenetic location: 7q21.2.
Variant type: single nucleotide variant.
Coding change: c.3557A>G on transcript NM_152703.5 (MANE Select); coding-DNA position 3557, A replaced by G.
Protein change: p.Gln1186Arg; replaces glutamine 1186 with arginine.
Molecular consequence: missense variant.
Genome position (GRCh38, 1-based): chr7:93,132,415, T>C on the plus strand (A>G on the coding strand, the complement: SAMD9L is on the minus strand). VCF-style: chr7-93132415-T-C. GRCh37 (hg19) VCF-style: chr7-92761728-T-C.
Other names: c.3557A>G, p.Gln1186Arg (NM_001303496.3, NM_001303497.3, NM_001303498.3 and 5 more transcripts); short protein forms Q1186R.
Identifiers: ClinVar variation 4159251 (VCV004159251.1).
Genomic context (GRCh38, chr7:93,132,415, plus strand): 5'-TAAAGACCAACTTCTATTTCACCCAAGAAACAAGCTGTGTTATACATGTCATATCGTCTC[T>C]GGGACTTCTGTGGTGACCAGTTCTCGGTTTCATAGTTTTTACTATCAGTTTGCCTTTGGG-3'
Protein context (NP_689916.2, residues 1176-1196): ETENWSPQKS[Gln1186Arg]RRYDMYNTAC